The following is an entry in ClinVar:

NM_001142.2(AMELX):c.436G>T (p.Val146Leu)

Genes: AMELX (amelogenin X-linked; plus strand), ARHGAP6 (Rho GTPase activating protein 6; minus strand). Cytogenetic location: Xp22.2.
Variant type: single nucleotide variant.
Coding change: c.436G>T on transcript NM_001142.2 (MANE Select); coding-DNA position 436, G replaced by T.
Protein change: p.Val146Leu; replaces valine 146 with leucine.
Molecular consequence: missense variant. On other transcripts: intron variant (3).
Genome position (GRCh38, 1-based): chrX:11,298,839, G>T. VCF-style: chrX-11298839-G-T. GRCh37 (hg19) VCF-style: chrX-11316959-G-T.
Other names: c.478G>T, p.Val160Leu (NM_182680.1); c.388G>T, p.Val130Leu (NM_182681.1); c.589-44132C>A (NM_013427.3, NM_006125.3); c.49-44132C>A (NM_001287242.2); short protein forms V160L, V146L, V130L.
Identifiers: ClinVar variation 727433 (VCV000727433.5), dbSNP rs138249749, ClinGen allele CA10348534.
Genomic context (GRCh38, chrX:11,298,839, plus strand): 5'-CCCTACCAGCCCCAGCCTGTTCAGCCACAGCCTCACCAGCCCATGCAGCCCCAGCCACCT[G>T]TGCACCCCATGCAGCCCCTGCCGCCACAGCCACCTCTGCCTCCGATGTTCCCCATGCAGC-3'
Protein context (NP_001133.1, residues 136-156): PHQPMQPQPP[Val146Leu]HPMQPLPPQP

ClinVar aggregate classification (germline): Benign. Review status: criteria provided, single submitter (1 of 4 stars). 2 submissions from 2 submitters: Benign (1). 1 of the submissions does not count toward it. Last evaluated 2018-05-18.

Conditions:
AMELX-related disorder. Also called: AMELX-related condition.

Allele frequency attached by ClinVar (database versions not stated): gnomAD exomes 0.00138; ExAC 0.00165; gnomAD 0.00422 and 0.00451; TOPMed 0.00480; ESP Exome Variant Server 0.00511; 1000 Genomes Project 0.00556; 1000 Genomes Project 30x 0.00624.
gnomAD v4.1: 942 of 1,208,248 alleles (0.078%); highest among the groups gnomAD compares: African/African-American, 1.5%; 6 homozygotes.

Submissions (2):

Labcorp Genetics (formerly Invitae), Labcorp
Classification: Benign. Last evaluated: 2018-05-18. Review status: criteria provided, single submitter. Criteria: Invitae Variant Classification Sherloc (09022015). Collection method: clinical testing. Allele origin: germline.

PreventionGenetics, part of Exact Sciences
Classification: Benign for AMELX-related condition. Last evaluated: 2019-08-15. Review status: no assertion criteria provided. Collection method: clinical testing. Allele origin: germline. Not counted in ClinVar's aggregate classification.
Comment: This variant is classified as benign based on ACMG/AMP sequence variant interpretation guidelines (Richards et al. 2015 PMID: 25741868, with internal and published modifications).